The following is an entry in ClinVar:

ClinVar aggregate classification (germline): Pathogenic (1 of 4 stars; one submission).

Submission:

Labcorp Genetics (formerly Invitae), Labcorp
Classification: Pathogenic. Last evaluated: 2024-09-04. Review status: criteria provided, single submitter. Criteria: Invitae Variant Classification Sherloc (09022015). Collection method: clinical testing. Allele origin: germline.
Comment: This sequence change creates a premature translational stop signal (p.Cys814*) in the XPC gene. It is expected to result in an absent or disrupted protein product. Loss-of-function variants in XPC are known to be pathogenic (PMID: 23173980, 25256075). This variant is not present in population databases (gnomAD no frequency). This variant has not been reported in the literature in individuals affected with XPC-related conditions. For these reasons, this variant has been classified as Pathogenic.

Literature cited by the submitters: PubMed 23173980; PubMed 25256075.

NM_004628.5(XPC):c.2442C>A (p.Cys814Ter)

Gene: XPC (XPC complex subunit, DNA damage recognition and repair factor; minus strand). Cytogenetic location: 3p25.1.
Variant type: single nucleotide variant.
Coding change: c.2442C>A on transcript NM_004628.5 (MANE Select); coding-DNA position 2442, C replaced by A.
Protein change: p.Cys814Ter; replaces cysteine 814 with a stop codon.
Molecular consequence: nonsense. On other transcripts: non-coding transcript variant (2).
Genome position (GRCh38, 1-based): chr3:14,147,980, G>T on the plus strand (C>A on the coding strand, the complement: XPC is on the minus strand). VCF-style: chr3-14147980-G-T. GRCh37 (hg19) VCF-style: chr3-14189480-G-T.
Other names: c.2196C>A, p.Cys732Ter (NM_001354730.2); c.1863C>A, p.Cys621Ter (NM_001354726.2); c.2436C>A, p.Cys812Ter (NM_001354727.2); c.2424C>A, p.Cys808Ter (NM_001354729.2); short protein forms C621*, C808*, C812*, C814*, C732*.
Identifiers: ClinVar variation 3664554 (VCV003664554.2).